The following is an entry in ClinVar:

NM_001349253.2(SCN11A):c.4658G>A (p.Trp1553Ter)

Gene: SCN11A (sodium voltage-gated channel alpha subunit 11; minus strand). Cytogenetic location: 3p22.2.
Variant type: single nucleotide variant.
Coding change: c.4658G>A on transcript NM_001349253.2 (MANE Select); coding-DNA position 4658, G replaced by A.
Protein change: p.Trp1553Ter; replaces tryptophan 1553 with a stop codon.
Molecular consequence: nonsense.
Genome position (GRCh38, 1-based): chr3:38,847,412, C>T on the plus strand (G>A on the coding strand, the complement: SCN11A is on the minus strand). VCF-style: chr3-38847412-C-T. GRCh37 (hg19) VCF-style: chr3-38888903-C-T.
Other names: c.4658G>A, p.Trp1553Ter (NM_014139.3); short protein forms W1553*.
Identifiers: ClinVar variation 2954204 (VCV002954204.3), dbSNP rs2470966568, ClinGen allele CA352162975.
Genomic context (GRCh38, chr3:38,847,412, plus strand): 5'-TTTTCTGAGGAAGAGTTACATGATTCTTTTGATCGCAGCATGGGGCTGAGCAGGGAATCC[C>T]AACCTGCTGATGTGCTTATCTGGAAGAGACAGAGCATGCTGCTGGCAAAAGTCTTGAAGT-3'

ClinVar aggregate classification (germline): Uncertain significance (1 of 4 stars; one submission).

Conditions:
Familial episodic pain syndrome with predominantly lower limb involvement. Also called: Episodic pain syndrome, familial, 3. Identifiers: Orphanet 391384, Orphanet 391392, MedGen C3809899, MONDO:0014247, OMIM 615552.
Hereditary sensory and autonomic neuropathy type 7. Also called: HSAN VII; Neuropathy, hereditary sensory and autonomic, type VII. Identifiers: Orphanet 391397, MedGen C3809882, MONDO:0014244, OMIM 615548.

Submission:

Labcorp Genetics (formerly Invitae), Labcorp
Classification: Uncertain significance for Familial episodic pain syndrome with predominantly lower limb involvement; Hereditary sensory and autonomic neuropathy type 7. Last evaluated: 2023-11-24. Review status: criteria provided, single submitter. Criteria: Invitae Variant Classification Sherloc (09022015). Collection method: clinical testing. Allele origin: germline.
Comment: This sequence change creates a premature translational stop signal (p.Trp1553*) in the SCN11A gene. While this is not anticipated to result in nonsense mediated decay, it is expected to disrupt the last 239 amino acid(s) of the SCN11A protein. This variant is not present in population databases (gnomAD no frequency). This variant has not been reported in the literature in individuals affected with SCN11A-related conditions. In summary, the available evidence is currently insufficient to determine the role of this variant in disease. Therefore, it has been classified as a Variant of Uncertain Significance.